The following is an entry in ClinVar:

NM_144687.4(NLRP12):c.1639G>A (p.Glu547Lys)

Gene: NLRP12 (NLR family pyrin domain containing 12; minus strand). Cytogenetic location: 19q13.42.
Variant type: single nucleotide variant.
Coding change: c.1639G>A on transcript NM_144687.4 (MANE Select); coding-DNA position 1639, G replaced by A.
Protein change: p.Glu547Lys; replaces glutamic acid 547 with lysine.
Molecular consequence: missense variant.
Genome position (GRCh38, 1-based): chr19:53,810,020, C>T on the plus strand (G>A on the coding strand, the complement: NLRP12 is on the minus strand). VCF-style: chr19-53810020-C-T. GRCh37 (hg19) VCF-style: chr19-54313274-C-T.
Other names: c.1639G>A, p.Glu547Lys (NM_001277126.2, NM_001277129.1); short protein forms E547K.
Identifiers: ClinVar variation 1905689 (VCV001905689.6), dbSNP rs760475376, ClinGen allele CA9639386.

ClinVar aggregate classification (germline): Uncertain significance (1 of 4 stars; one submission).

Conditions:
Familial cold autoinflammatory syndrome 2 (FCAS2). Identifiers: Orphanet 247868, MedGen C2673198, MONDO:0012724, OMIM 611762.

Allele frequency attached by ClinVar (database versions not stated): gnomAD 0.00001; ExAC 0.00002.

Submissions (2):

Labcorp Genetics (formerly Invitae), Labcorp
Classification: Uncertain significance for Familial cold autoinflammatory syndrome 2. Last evaluated: 2022-04-02. Review status: criteria provided, single submitter. Criteria: Invitae Variant Classification Sherloc (09022015). Collection method: clinical testing. Allele origin: germline.
Comment: This sequence change replaces glutamic acid, which is acidic and polar, with lysine, which is basic and polar, at codon 547 of the NLRP12 protein (p.Glu547Lys). This variant is present in population databases (rs760475376, gnomAD 0.005%). This variant has not been reported in the literature in individuals affected with NLRP12-related conditions. Algorithms developed to predict the effect of missense changes on protein structure and function are either unavailable or do not agree on the potential impact of this missense change (SIFT: "Deleterious"; PolyPhen-2: "Benign"; Align-GVGD: "Class C0"). In summary, the available evidence is currently insufficient to determine the role of this variant in disease. Therefore, it has been classified as a Variant of Uncertain Significance.

Dr. Peter K. Rogan Lab, Western University
No classification provided (evidence only). Condition: Squamous cell carcinoma of the head and neck. Review status: no classification provided. Collection method: in vitro. Allele origin: not applicable. Functional consequence: retained intron. Not counted in ClinVar's aggregate classification.